The following is an entry in ClinVar:

NM_000304.4(PMP22):c.178+5571C>T

Gene: PMP22 (peripheral myelin protein 22; minus strand). Cytogenetic location: 17p12.
Variant type: single nucleotide variant.
Coding change: c.178+5571C>T on transcript NM_000304.4 (MANE Select); 5571 bases into the intron after coding-DNA position 178, C replaced by T.
Molecular consequence: intron variant.
Genome position (GRCh38, 1-based): chr17:15,253,523, G>A on the plus strand (C>T on the coding strand, the complement: PMP22 is on the minus strand). VCF-style: chr17-15253523-G-A. GRCh37 (hg19) VCF-style: chr17-15156840-G-A.
Other names: c.178+5571C>T (NM_001281456.2, NM_153321.3, NM_001281455.2 and 2 more transcripts).
Identifiers: ClinVar variation 3389337 (VCV003389337.14).

ClinVar aggregate classification (germline): Likely benign (1 of 4 stars; one submission).

gnomAD v4.1: 5 of 151,968 alleles (0.0033%); highest among the groups gnomAD compares: Non-Finnish European, 0.0029%; no homozygotes.

Submission:

CeGaT Center for Human Genetics Tuebingen
Classification: Likely benign. Last evaluated: 2024-10-01. Review status: criteria provided, single submitter. Criteria: CeGaT Center For Human Genetics Tuebingen Variant Classification Criteria Version 2. Collection method: clinical testing. Allele origin: germline. Affected: yes. Observed: 1 variant allele.
Comment: PMP22: BP4, BP7